The following is an entry in ClinVar:

NM_014633.5(CTR9):c.3332G>C (p.Arg1111Thr)

Gene: CTR9 (CTR9 component of Paf1/RNA polymerase II complex; plus strand). Cytogenetic location: 11p15.4.
Variant type: single nucleotide variant.
Coding change: c.3332G>C on transcript NM_014633.5 (MANE Select); coding-DNA position 3332, G replaced by C.
Protein change: p.Arg1111Thr; replaces arginine 1111 with threonine.
Molecular consequence: missense variant.
Genome position (GRCh38, 1-based): chr11:10,778,915, G>C. VCF-style: chr11-10778915-G-C. GRCh37 (hg19) VCF-style: chr11-10800462-G-C.
Other names: c.3260G>C, p.Arg1087Thr (NM_001346279.2); short protein forms R1087T, R1111T.
Identifiers: ClinVar variation 1374459 (VCV001374459.8), dbSNP rs766519056, ClinGen allele CA379679550.

ClinVar aggregate classification (germline): Uncertain significance (1 of 4 stars; one submission).

Submission:

Labcorp Genetics (formerly Invitae), Labcorp
Classification: Uncertain significance. Last evaluated: 2021-06-05. Review status: criteria provided, single submitter. Criteria: Invitae Variant Classification Sherloc (09022015). Collection method: clinical testing. Allele origin: germline.
Comment: This sequence change replaces arginine with threonine at codon 1111 of the CTR9 protein (p.Arg1111Thr). The arginine residue is moderately conserved and there is a moderate physicochemical difference between arginine and threonine. This variant is not present in population databases (ExAC no frequency). This variant has not been reported in the literature in individuals with CTR9-related conditions. Algorithms developed to predict the effect of missense changes on protein structure and function (SIFT, PolyPhen-2, Align-GVGD) all suggest that this variant is likely to be tolerated, but these predictions have not been confirmed by published functional studies and their clinical significance is uncertain. In summary, the available evidence is currently insufficient to determine the role of this variant in disease. Therefore, it has been classified as a Variant of Uncertain Significance.